The following is an entry in ClinVar:

NM_001042492.3(NF1):c.5679A>G (p.Leu1893=)

Gene: NF1 (neurofibromin 1; plus strand). Cytogenetic location: 17q11.2.
Variant type: single nucleotide variant.
Coding change: c.5679A>G on transcript NM_001042492.3 (MANE Select); coding-DNA position 5679, A replaced by G.
Protein change: p.Leu1893=; no amino-acid change (leucine 1893 retained).
Molecular consequence: synonymous variant.
Genome position (GRCh38, 1-based): chr17:31,330,365, A>G. VCF-style: chr17-31330365-A-G. GRCh37 (hg19) VCF-style: chr17-29657383-A-G.
Other names: c.5616A>G, p.Leu1872= (NM_000267.4).
Identifiers: ClinVar variation 1144581 (VCV001144581.9), dbSNP rs2151544593, ClinGen allele CA499233431.

ClinVar aggregate classification (germline): Benign/Likely benign. Review status: criteria provided, multiple submitters, no conflicts (2 of 4 stars). 3 submissions from 3 submitters: Benign (1); Likely benign (2). Last evaluated 2026-05-20.

Conditions:
Neurofibromatosis, type 1 (NF1). Also called: Peripheral type neurofibromatosis; NEUROFIBROMATOSIS, TYPE I, SOMATIC; VON RECKLINGHAUSEN DISEASE; Neurofibromatosis, type I. Identifiers: Orphanet 636, MedGen C0027831, MONDO:0018975, OMIM 162200. Disease mechanism: loss of function.
Cardiovascular phenotype. Identifiers: MedGen CN230736.
Hereditary cancer-predisposing syndrome. Also called: Neoplastic Syndromes, Hereditary; Tumor predisposition; Hereditary Cancer Syndrome; Hereditary neoplastic syndrome. Identifiers: Orphanet 140162, MedGen C0027672, MeSH D009386, MONDO:0015356.

gnomAD v4.1: 6 of 1,614,046 alleles (0.00037%); highest among the groups gnomAD compares: Middle Eastern, 0.017%; no homozygotes.

Submissions (3):

Myriad Genetics, Inc.
Classification: Benign for Neurofibromatosis, type 1. Last evaluated: 2026-05-20. Review status: criteria provided, single submitter. Criteria: Myriad Autosomal Dominant, Autosomal Recessive and X-Linked Classification Criteria (2023). Collection method: clinical testing. Allele origin: unknown.
Comment: This variant is considered benign. This variant is a silent/synonymous amino acid change and it is not expected to impact splicing.

Ambry Genetics
Classification: Likely benign for Cardiovascular phenotype; Hereditary cancer-predisposing syndrome. Last evaluated: 2023-08-23. Review status: criteria provided, single submitter. Criteria: Ambry Variant Classification Scheme 2023. Collection method: clinical testing. Allele origin: germline.

Labcorp Genetics (formerly Invitae), Labcorp
Classification: Likely benign for Neurofibromatosis, type 1. Last evaluated: 2021-03-16. Review status: criteria provided, single submitter. Criteria: Invitae Variant Classification Sherloc (09022015). Collection method: clinical testing. Allele origin: germline.